The following is an entry in ClinVar:

NM_213655.5(WNK1):c.2533C>T (p.Arg845Cys)

Gene: WNK1 (WNK lysine deficient protein kinase 1; plus strand). Cytogenetic location: 12p13.33.
Variant type: single nucleotide variant.
Coding change: c.2533C>T on transcript NM_213655.5 (MANE Plus Clinical); coding-DNA position 2533, C replaced by T.
Protein change: p.Arg845Cys; replaces arginine 845 with cysteine.
Molecular consequence: missense variant. On other transcripts: intron variant (2).
Genome position (GRCh38, 1-based): chr12:868,004, C>T. VCF-style: chr12-868004-C-T. GRCh37 (hg19) VCF-style: chr12-977170-C-T.
Other names: p.Arg845Cys; c.2278C>T, p.Arg760Cys (NM_001184985.2); c.2140-3261C>T (NM_018979.4, NM_014823.3); short protein forms R760C, R845C.
Identifiers: ClinVar variation 657997 (VCV000657997.30), dbSNP rs200794710, ClinGen allele CA6382196.

ClinVar aggregate classification (germline): Conflicting classifications of pathogenicity. Review status: criteria provided, conflicting classifications (1 of 4 stars). 6 submissions from 6 submitters: Uncertain significance (5); Likely benign (1). Last evaluated 2025-11-18.

Conditions:
Inborn genetic diseases. Identifiers: MedGen C0950123, MeSH D030342.
Neuropathy, hereditary sensory and autonomic, type 2A (HSAN2A). Also called: HSAN IIA; MORVAN DISEASE; NEUROPATHY, CONGENITAL SENSORY; NEUROPATHY, HEREDITARY SENSORY RADICULAR, AUTOSOMAL RECESSIVE; NEUROPATHY, HEREDITARY SENSORY, TYPE IIA; NEUROPATHY, PROGRESSIVE SENSORY, OF CHILDREN. Identifiers: Orphanet 970, MedGen C2752089, MONDO:0024309, OMIM 201300.
Pseudohypoaldosteronism type 2C (PHA2C). Also called: Pseudohypoaldosteronism Type IIC. Identifiers: Orphanet 757, Orphanet 88940, MedGen C1840391, MONDO:0013778, OMIM 614492.

Allele frequency attached by ClinVar (database versions not stated): ESP Exome Variant Server 0.00008; gnomAD 0.00011 and 0.00013; TOPMed 0.00015; gnomAD exomes 0.00016 and 0.00022; ExAC 0.00017.
gnomAD v4.1: 348 of 1,613,992 alleles (0.022%); highest among the groups gnomAD compares: Middle Eastern, 0.082%; no homozygotes.

Submissions (6):

Labcorp Genetics (formerly Invitae), Labcorp
Classification: Likely benign for Neuropathy, hereditary sensory and autonomic, type 2A; Pseudohypoaldosteronism type 2C. Last evaluated: 2025-11-18. Review status: criteria provided, single submitter. Criteria: Invitae Variant Classification Sherloc (09022015). Collection method: clinical testing. Allele origin: germline.

CeGaT Center for Human Genetics Tuebingen
Classification: Uncertain significance. Last evaluated: 2025-01-01. Review status: criteria provided, single submitter. Criteria: CeGaT Center For Human Genetics Tuebingen Variant Classification Criteria Version 2. Collection method: clinical testing. Allele origin: germline. Affected: yes. Observed: 1 variant allele.
Comment: WNK1: PM2

Blueprint Genetics
Classification: Uncertain significance. Last evaluated: 2024-11-25. Review status: criteria provided, single submitter. Criteria: ACMG Guidelines, 2015. Collection method: clinical testing. Allele origin: germline.

Mayo Clinic Laboratories, Mayo Clinic
Classification: Uncertain significance. Last evaluated: 2024-01-04. Review status: criteria provided, single submitter. Criteria: ACMG Guidelines, 2015. Collection method: clinical testing. Allele origin: germline. Observed: 2 variant alleles.

Ambry Genetics
Classification: Uncertain significance for Inborn genetic diseases. Last evaluated: 2023-07-31. Review status: criteria provided, single submitter. Criteria: Ambry Variant Classification Scheme 2023. Collection method: clinical testing. Allele origin: germline.

GeneDx
Classification: Uncertain significance. Last evaluated: 2023-06-29. Review status: criteria provided, single submitter. Criteria: GeneDx Variant Classification Process June 2021. Collection method: clinical testing. Allele origin: germline. Affected: yes.
Comment: In silico analysis supports that this missense variant has a deleterious effect on protein structure/function; Has not been previously published as pathogenic or benign to our knowledge